The following is an entry in ClinVar:

ClinVar aggregate classification (germline): Pathogenic (1 of 4 stars; one submission).

Submission:

CeGaT Center for Human Genetics Tuebingen
Classification: Pathogenic. Last evaluated: 2024-11-01. Review status: criteria provided, single submitter. Criteria: CeGaT Center For Human Genetics Tuebingen Variant Classification Criteria Version 2. Collection method: clinical testing. Allele origin: germline. Affected: yes. Observed: 1 variant allele.
Comment: PNPLA6: PVS1, PM2

NM_001166114.2(PNPLA6):c.1430C>A (p.Ser477Ter)

Gene: PNPLA6 (patatin like domain 6, lysophospholipase; plus strand). Cytogenetic location: 19p13.2.
Variant type: single nucleotide variant.
Coding change: c.1430C>A on transcript NM_001166114.2 (MANE Select); coding-DNA position 1430, C replaced by A.
Protein change: p.Ser477Ter; replaces serine 477 with a stop codon.
Molecular consequence: nonsense.
Genome position (GRCh38, 1-based): chr19:7,542,828, C>A. VCF-style: chr19-7542828-C-A. GRCh37 (hg19) VCF-style: chr19-7607714-C-A.
Other names: c.1457C>A, p.Ser486Ter (NM_001166111.2); c.1313C>A, p.Ser438Ter (NM_001166112.2, NM_001166113.1, NM_006702.5); short protein forms S438*, S477*, S486*.
Identifiers: ClinVar variation 3388199 (VCV003388199.14).
Genomic context (GRCh38, chr19:7,542,828, plus strand): 5'-CTCAGGAGCCTCGTGAGCAGCCGGCAGGCGCCTGTGAATACAGCTACTGTGAGGATGAGT[C>A]GGCCACTGGTGGCTGCCCTTTCGGGCCCTACCAGGGCCGCCAGACCAGCAGCATCTTCGA-3'